The following is an entry in ClinVar:

ClinVar aggregate classification (germline): Uncertain significance (1 of 4 stars; one submission).

Conditions:
X-linked Emery-Dreifuss muscular dystrophy. Also called: Muscular dystrophy, tardive Emery-Dreifuss type, with contractures. Identifiers: Orphanet 261, Orphanet 98863, MedGen C0751337, MONDO:0010680.

Submission:

Labcorp Genetics (formerly Invitae), Labcorp
Classification: Uncertain significance for X-linked Emery-Dreifuss muscular dystrophy. Last evaluated: 2023-09-05. Review status: criteria provided, single submitter. Criteria: Invitae Variant Classification Sherloc (09022015). Collection method: clinical testing. Allele origin: germline.
Comment: This variant is not present in population databases (gnomAD no frequency). This variant has not been reported in the literature in individuals affected with EMD-related conditions. Advanced modeling of protein sequence and biophysical properties (such as structural, functional, and spatial information, amino acid conservation, physicochemical variation, residue mobility, and thermodynamic stability) performed at Invitae indicates that this missense variant is not expected to disrupt EMD protein function. In summary, the available evidence is currently insufficient to determine the role of this variant in disease. Therefore, it has been classified as a Variant of Uncertain Significance. This sequence change replaces arginine, which is basic and polar, with threonine, which is neutral and polar, at codon 32 of the EMD protein (p.Arg32Thr).

NM_000117.3(EMD):c.95G>C (p.Arg32Thr)

Gene: EMD (emerin; plus strand). Cytogenetic location: Xq28.
Variant type: single nucleotide variant.
Coding change: c.95G>C on transcript NM_000117.3 (MANE Select); coding-DNA position 95, G replaced by C.
Protein change: p.Arg32Thr; replaces arginine 32 with threonine.
Molecular consequence: missense variant.
Genome position (GRCh38, 1-based): chrX:154,379,702, G>C. VCF-style: chrX-154379702-G-C. GRCh37 (hg19) VCF-style: chrX-153608062-G-C.
Other names: short protein forms R32T.
Identifiers: ClinVar variation 2758177 (VCV002758177.3), dbSNP rs2522787464, ClinGen allele CA415257315.